The following is an entry in ClinVar:

ClinVar aggregate classification (germline): Uncertain significance. Review status: criteria provided, multiple submitters, no conflicts (2 of 4 stars). 2 submissions from 2 submitters: Uncertain significance (2). Last evaluated 2024-12-25.

Allele frequency attached by ClinVar (database versions not stated): gnomAD exomes 0.00001; ExAC 0.00002; TOPMed 0.00002; gnomAD 0.00003.
gnomAD v4.1: 9 of 1,614,038 alleles (0.00056%); highest among the groups gnomAD compares: African/African-American, 0.011%; no homozygotes.

Submissions (2):

Ambry Genetics
Classification: Uncertain significance. Last evaluated: 2024-12-25. Review status: criteria provided, single submitter. Criteria: Ambry Variant Classification Scheme 2023. Collection method: clinical testing. Allele origin: germline.
Comment: The p.G469R variant (also known as c.1405G>A), located in coding exon 8 of the RNF43 gene, results from a G to A substitution at nucleotide position 1405. The glycine at codon 469 is replaced by arginine, an amino acid with dissimilar properties. This amino acid position is conserved. In addition, this alteration is predicted to be tolerated by in silico analysis. Based on the available evidence, the clinical significance of this variant remains unclear.

Labcorp Genetics (formerly Invitae), Labcorp
Classification: Uncertain significance. Last evaluated: 2022-01-28. Review status: criteria provided, single submitter. Criteria: Invitae Variant Classification Sherloc (09022015). Collection method: clinical testing. Allele origin: germline.
Comment: In summary, the available evidence is currently insufficient to determine the role of this variant in disease. Therefore, it has been classified as a Variant of Uncertain Significance. This sequence change replaces glycine, which is neutral and non-polar, with arginine, which is basic and polar, at codon 469 of the RNF43 protein (p.Gly469Arg). This variant is present in population databases (rs775121749, gnomAD 0.02%). This variant has not been reported in the literature in individuals affected with RNF43-related conditions. ClinVar contains an entry for this variant (Variation ID: 835283). Algorithms developed to predict the effect of missense changes on protein structure and function are either unavailable or do not agree on the potential impact of this missense change (SIFT: "Deleterious"; PolyPhen-2: "Probably Damaging"; Align-GVGD: "Class C15").

NM_017763.6(RNF43):c.1405G>A (p.Gly469Arg)

Gene: RNF43 (ring finger protein 43; minus strand). Cytogenetic location: 17q22.
Variant type: single nucleotide variant.
Coding change: c.1405G>A on transcript NM_017763.6 (MANE Select); coding-DNA position 1405, G replaced by A.
Protein change: p.Gly469Arg; replaces glycine 469 with arginine.
Molecular consequence: missense variant.
Genome position (GRCh38, 1-based): chr17:58,358,371, C>T on the plus strand (G>A on the coding strand, the complement: RNF43 is on the minus strand). VCF-style: chr17-58358371-C-T. GRCh37 (hg19) VCF-style: chr17-56435732-C-T.
Other names: c.1405G>A, p.Gly469Arg (NM_001305544.3); c.1024G>A, p.Gly342Arg (NM_001305545.2); short protein forms G342R, G469R.
Identifiers: ClinVar variation 835283 (VCV000835283.10), dbSNP rs775121749, ClinGen allele CA8673184.